The following is an entry in ClinVar:

NM_172362.3(KCNH1):c.2006T>A (p.Leu669Gln)

Gene: KCNH1 (potassium voltage-gated channel subfamily H member 1; minus strand). Cytogenetic location: 1q32.2.
Variant type: single nucleotide variant.
Coding change: c.2006T>A on transcript NM_172362.3 (MANE Select); coding-DNA position 2006, T replaced by A.
Protein change: p.Leu669Gln; replaces leucine 669 with glutamine.
Molecular consequence: missense variant.
Genome position (GRCh38, 1-based): chr1:210,775,454, A>T on the plus strand (T>A on the coding strand, the complement: KCNH1 is on the minus strand). VCF-style: chr1-210775454-A-T. GRCh37 (hg19) VCF-style: chr1-210948796-A-T.
Other names: c.1925T>A, p.Leu642Gln (NM_002238.4); c.2006T>A (NM_172362.2); short protein forms L642Q, L669Q.
Identifiers: ClinVar variation 1482603 (VCV001482603.9), dbSNP rs1683842229, ClinGen allele CA344872101.

ClinVar aggregate classification (germline): Uncertain significance. Review status: criteria provided, multiple submitters, no conflicts (2 of 4 stars). 2 submissions from 2 submitters: Uncertain significance (2). Last evaluated 2025-11-03.

Conditions:
Inborn genetic diseases. Identifiers: MedGen C0950123, MeSH D030342.

Allele frequency attached by ClinVar (database versions not stated): TOPMed below 0.00001.

Submissions (2):

Ambry Genetics
Classification: Uncertain significance for Inborn genetic diseases. Last evaluated: 2025-11-03. Review status: criteria provided, single submitter. Criteria: Ambry Variant Classification Scheme 2023. Collection method: clinical testing. Allele origin: germline.

Labcorp Genetics (formerly Invitae), Labcorp
Classification: Uncertain significance. Last evaluated: 2023-01-10. Review status: criteria provided, single submitter. Criteria: Invitae Variant Classification Sherloc (09022015). Collection method: clinical testing. Allele origin: germline.
Comment: In summary, the available evidence is currently insufficient to determine the role of this variant in disease. Therefore, it has been classified as a Variant of Uncertain Significance. Algorithms developed to predict the effect of missense changes on protein structure and function (SIFT, PolyPhen-2, Align-GVGD) all suggest that this variant is likely to be disruptive. ClinVar contains an entry for this variant (Variation ID: 1482603). This variant has not been reported in the literature in individuals affected with KCNH1-related conditions. This variant is not present in population databases (gnomAD no frequency). This sequence change replaces leucine, which is neutral and non-polar, with glutamine, which is neutral and polar, at codon 669 of the KCNH1 protein (p.Leu669Gln).